The following is an entry in ClinVar:

NM_001184.4(ATR):c.1904G>A (p.Arg635Gln)

Gene: ATR (ATR checkpoint kinase; minus strand). Cytogenetic location: 3q23.
Variant type: single nucleotide variant.
Coding change: c.1904G>A on transcript NM_001184.4 (MANE Select); coding-DNA position 1904, G replaced by A.
Protein change: p.Arg635Gln; replaces arginine 635 with glutamine.
Molecular consequence: missense variant.
Genome position (GRCh38, 1-based): chr3:142,556,557, C>T on the plus strand (G>A on the coding strand, the complement: ATR is on the minus strand). VCF-style: chr3-142556557-C-T. GRCh37 (hg19) VCF-style: chr3-142275399-C-T.
Other names: c.1712G>A, p.Arg571Gln (NM_001354579.2); short protein forms R571Q, R635Q.
Identifiers: ClinVar variation 900024 (VCV000900024.27), dbSNP rs202162034, ClinGen allele CA2650470.

ClinVar aggregate classification (germline): Conflicting classifications of pathogenicity. Review status: criteria provided, conflicting classifications (1 of 4 stars). 11 submissions from 11 submitters: Uncertain significance (9); Likely benign (2). Last evaluated 2026-01-27.

Conditions:
ATR-related disorder. Also called: ATR-related condition.
Seckel syndrome 1 (SCKL1). Also called: MICROCEPHALIC PRIMORDIAL DWARFISM I. Identifiers: Orphanet 808, MedGen C4551474, MONDO:0008869, OMIM 210600.
Familial cutaneous telangiectasia and oropharyngeal predisposition cancer syndrome. Identifiers: Orphanet 313846, MedGen C3281203, MONDO:0013806, OMIM 614564.
Inborn genetic diseases. Identifiers: MedGen C0950123, MeSH D030342.

Allele frequency attached by ClinVar (database versions not stated): ESP Exome Variant Server 0.00023; gnomAD exomes 0.00023 and 0.00054; TOPMed 0.00024; gnomAD 0.00025 and 0.00027; ExAC 0.00026.
gnomAD v4.1: 820 of 1,613,832 alleles (0.051%); highest among the groups gnomAD compares: Middle Eastern, 0.082%; no homozygotes.

Submissions (11):

Labcorp Genetics (formerly Invitae), Labcorp
Classification: Uncertain significance. Last evaluated: 2026-01-27. Review status: criteria provided, single submitter. Criteria: Invitae Variant Classification Sherloc (09022015). Collection method: clinical testing. Allele origin: germline.
Comment: This sequence change replaces arginine, which is basic and polar, with glutamine, which is neutral and polar, at codon 635 of the ATR protein (p.Arg635Gln). This variant is present in population databases (rs202162034, gnomAD 0.04%). This variant has not been reported in the literature in individuals affected with ATR-related conditions. ClinVar contains an entry for this variant (Variation ID: 900024). An algorithm developed to predict the effect of missense changes on protein structure and function outputs the following: PolyPhen-2: "Benign". The glutamine amino acid residue is found in multiple mammalian species, which suggests that this missense change does not adversely affect protein function. In summary, the available evidence is currently insufficient to determine the role of this variant in disease. Therefore, it has been classified as a Variant of Uncertain Significance.

Dasa
Classification: Uncertain significance. Last evaluated: 2025-04-14. Review status: criteria provided, single submitter. Criteria: DASA Assertion Criteria. Collection method: clinical testing. Allele origin: germline.
Comment: NM_001184.4(ATR):c.1904G>A (p.Arg635Gln) is a missense variant that results in the substitution of arginine with glutamine. This variant is rare in population databases. Computational prediction algorithms are consistent with a deleterious effect. The currently available literature and clinical evidence are not sufficient to establish a definitive association between this variant and the reported condition. Therefore, this variant is classified as a variant of uncertain significance.

Blueprint Genetics
Classification: Likely benign. Last evaluated: 2024-09-12. Review status: criteria provided, single submitter. Criteria: ACMG Guidelines, 2015. Collection method: clinical testing. Allele origin: germline.

Fulgent Genetics
Classification: Uncertain significance for Seckel syndrome 1; Familial cutaneous telangiectasia and oropharyngeal predisposition cancer syndrome. Last evaluated: 2024-04-12. Review status: criteria provided, single submitter. Criteria: ACMG Guidelines, 2015. Collection method: clinical testing. Allele origin: germline.

GeneDx
Classification: Uncertain significance. Last evaluated: 2023-09-14. Review status: criteria provided, single submitter. Criteria: GeneDx Variant Classification Process June 2021. Collection method: clinical testing. Allele origin: germline. Affected: yes.
Comment: In silico analysis supports that this missense variant does not alter protein structure/function; In silico analysis is inconclusive as to whether the variant alters gene splicing. In the absence of RNA/functional studies, the actual effect of this sequence change is unknown.; Has not been previously published as pathogenic or benign to our knowledge

PreventionGenetics, part of Exact Sciences
Classification: Uncertain significance for ATR-related condition. Last evaluated: 2022-12-07. Review status: criteria provided, single submitter. Criteria: ACMG Guidelines, 2015. Collection method: clinical testing. Allele origin: germline.
Comment: The ATR c.1904G>A variant is predicted to result in the amino acid substitution p.Arg635Gln. To our knowledge, this variant has not been reported in the literature. This variant is reported in 0.038% of alleles in individuals of European (Non-Finnish) descent in gnomAD. At this time, the clinical significance of this variant is uncertain due to the absence of conclusive functional and genetic evidence.

Ambry Genetics
Classification: Likely benign for Inborn genetic diseases. Last evaluated: 2022-09-21. Review status: criteria provided, single submitter. Criteria: Ambry Variant Classification Scheme 2023. Collection method: clinical testing. Allele origin: germline.

ARUP Laboratories, Molecular Genetics and Genomics, ARUP Laboratories
Classification: Uncertain significance. Last evaluated: 2021-10-25. Review status: criteria provided, single submitter. Criteria: ARUP Molecular Germline Variant Investigation Process 2021. Collection method: clinical testing. Allele origin: germline.
Comment: The ATR c.1904G>A; p.Arg635Gln variant (rs202162034), to our knowledge, is not reported in the medical literature but is reported in ClinVar (Variation ID: 900024). This variant is included in the IBD exomes browser database with a mild average odds ratio of 1.30 for IBD. without any segregation and functional data. This variant is found in the general population with an overall allele frequency of 0.02% (66/282122 alleles) in the Genome Aggregation Database. The arginine at codon 635 is weakly conserved but computational analyses predict that this variant is neutral (REVEL: 0.084). Due to limited information, the clinical significance of the p.Arg635Gln variant is uncertain at this time.

Genetic Services Laboratory, University of Chicago
Classification: Uncertain significance. Last evaluated: 2021-09-23. Review status: criteria provided, single submitter. Criteria: ACMG Guidelines, 2015. Collection method: clinical testing. Allele origin: germline. Affected: no.
Comment: DNA sequence analysis of the ATR gene demonstrated a sequence change, c.1904G>A, in exon 9 that results in an amino acid change, p.Arg635Gln. This sequence change has been described in the gnomAD database with a frequency of 0.038% in the non-Finnish European subpopulation (dbSNP rs202162034). The p.Arg635Gln change affects a poorly conserved amino acid residue located in a domain of the ATR protein that is known to be functional. The p.Arg635Gln substitution appears to be benign using several in-silico pathogenicity prediction tools (SIFT, PolyPhen2, Align GVGD, REVEL). This sequence change does not appear to have been previously described in individuals with ATR-related disorders. Due to insufficient evidences and the lack of functional studies, the clinical significance of the p.Arg635Gln change remains unknown at this time.

Revvity Omics, Revvity
Classification: Uncertain significance. Last evaluated: 2019-06-26. Review status: criteria provided, single submitter. Criteria: ACMG Guidelines, 2015. Collection method: clinical testing. Allele origin: germline.

Illumina Laboratory Services, Illumina
Classification: Uncertain significance for Seckel syndrome 1. Last evaluated: 2018-01-12. Review status: criteria provided, single submitter. Criteria: ICSL Variant Classification Criteria 13 December 2019. Collection method: clinical testing. Allele origin: germline.